The following is an entry in ClinVar:

NM_000181.4(GUSB):c.932dup (p.Ser312fs)

Gene: GUSB (glucuronidase beta; minus strand). Cytogenetic location: 7q11.21.
Variant type: Duplication.
Coding change: c.932dup on transcript NM_000181.4 (MANE Select); coding-DNA position 932, one base duplicated (C; older notation c.932dupC).
Protein change: p.Ser312fs; shifts the reading frame from serine 312.
Molecular consequence: frameshift variant. On other transcripts: non-coding transcript variant (1).
Genome position (GRCh38, 1-based): chr7:65,975,052, G duplicated on the plus strand (C on the coding strand, the reverse complement: GUSB is on the minus strand). VCF-style (leftmost placement, unchanged base first): chr7-65975051-C-CG. GRCh37 (hg19) VCF-style: chr7-65440038-C-CG.
Other names: c.494dup, p.Ser166fs (NM_001284290.2); c.362dup, p.Ser122fs (NM_001293104.2); c.275dup, p.Ser93fs (NM_001293105.2); short protein forms S122fs, S312fs, S93fs, S166fs.
Identifiers: ClinVar variation 2087077 (VCV002087077.4), dbSNP rs2484806814, ClinGen allele CA2578899516.

ClinVar aggregate classification (germline): Pathogenic (1 of 4 stars; one submission).

Conditions:
Mucopolysaccharidosis type 7 (MPS7). Also called: MPS VII; BETA-GLUCURONIDASE DEFICIENCY; GUSB DEFICIENCY; SLY SYNDROME. Identifiers: Orphanet 584, MedGen C0085132, MONDO:0009662, OMIM 253220.

Submission:

Labcorp Genetics (formerly Invitae), Labcorp
Classification: Pathogenic for Mucopolysaccharidosis type 7. Last evaluated: 2023-07-10. Review status: criteria provided, single submitter. Criteria: Invitae Variant Classification Sherloc (09022015). Collection method: clinical testing. Allele origin: germline.
Comment: This sequence change creates a premature translational stop signal (p.Ser312Valfs*7) in the GUSB gene. It is expected to result in an absent or disrupted protein product. Loss-of-function variants in GUSB are known to be pathogenic (PMID: 19224584). This variant is not present in population databases (gnomAD no frequency). This variant has not been reported in the literature in individuals affected with GUSB-related conditions. ClinVar contains an entry for this variant (Variation ID: 2087077). For these reasons, this variant has been classified as Pathogenic.

Literature cited by the submitters: PubMed 19224584.